The following is an entry in ClinVar:

NM_000536.4(RAG2):c.22G>A (p.Val8Ile)

Gene: RAG2 (recombination activating 2; minus strand). Cytogenetic location: 11p12.
Variant type: single nucleotide variant.
Coding change: c.22G>A on transcript NM_000536.4 (MANE Select); coding-DNA position 22, G replaced by A.
Protein change: p.Val8Ile; replaces valine 8 with isoleucine.
Molecular consequence: missense variant.
Genome position (GRCh38, 1-based): chr11:36,594,147, C>T on the plus strand (G>A on the coding strand, the complement: RAG2 is on the minus strand). VCF-style: chr11-36594147-C-T. GRCh37 (hg19) VCF-style: chr11-36615697-C-T.
Other names: NM_000536.4(RAG2):c.22G>A; p.Val8Ile; c.22G>A, p.Val8Ile (NM_001243785.2, NM_001243786.2); short protein forms V8I.
Identifiers: ClinVar variation 138885 (VCV000138885.47), dbSNP rs150762709, ClinGen allele CA293055.
Genomic context (GRCh38, chr11:36,594,147, plus strand): 5'-CTTGTCCATCAAAATTCATCAGTGAGAAGCCTGGCTGAATTAAGGCTATGTTATTACTGA[C>T]TGTTACCATCTGCAGAGACATAGTTTCTGATGGTACGTAGATTTTTGTCTGAAAGAATTA-3'
Protein context (NP_000527.2, residues 1-18): MSLQMVT[Val8Ile]SNNIALIQPG

ClinVar aggregate classification (germline): Likely benign. Review status: reviewed by expert panel (3 of 4 stars). 13 submissions from 12 submitters: Likely benign (1). 12 of the submissions do not count toward it. Last evaluated 2023-11-14.

Conditions:
Recombinase activating gene 2 deficiency. Also called: RAG2 deficiency. Identifiers: MedGen CN257931, MONDO:0000573.
Severe combined immunodeficiency, autosomal recessive, T cell-negative, B cell-negative, NK cell-positive. Also called: SCID, AR, T-cell negative, B-cell negative, NK cell-positive; Severe combined immunodeficiency due to complete RAG1/2 deficiency; SCID, T CELL-NEGATIVE, B CELL-NEGATIVE, NK CELL-POSITIVE. Identifiers: Orphanet 331206, MedGen C1832322, MONDO:0011086, OMIM 601457.
Combined immunodeficiency with skin granulomas. Identifiers: Orphanet 157949, MedGen C2673536, MONDO:0009306, OMIM 233650.
Histiocytic medullary reticulosis. Also called: SEVERE COMBINED IMMUNODEFICIENCY WITH HYPEREOSINOPHILIA; Omenn syndrome. Identifiers: Orphanet 39041, MedGen C2700553, MONDO:0011338, OMIM 603554.

Allele frequency attached by ClinVar (database versions not stated): 1000 Genomes Project 30x 0.00078; 1000 Genomes Project 0.00080; ESP Exome Variant Server 0.00285; TOPMed 0.00291; gnomAD 0.00307 and 0.00313; ExAC 0.00319; gnomAD exomes 0.00351 and 0.00456.

Submissions (13):

ClinGen Severe Combined Immunodeficiency Variant Curation Expert Panel, ClinGen
Classification: Likely benign for Recombinase activating gene 2 deficiency. Last evaluated: 2023-11-14. Review status: reviewed by expert panel. Criteria: ClinGen SCID ACMG Specifications RAG2 V1.0.0. Collection method: curation. Allele origin: germline. Inheritance: Autosomal recessive inheritance.
Comment: The NM_000536.4:c.22G>A variant in RAG2 is a missense variant predicted to cause substitution of valine by isoleucine at amino acid 8 (p.Val8Ile). This variant has a population max filtering allele frequency of 0.004397 in gnomAD, which is above the threshold for BS1 set by the ClinGen SCID VCEP for RAG2 (>0.00195). This variant has not been identified in individuals with SCID, though it has been identified in one individual with CID (PMID: 28769923) who carried a co-occurring variant p.D200H (phase unknown, p.D200H not curated by ClinGen SCID VCEP). In addition, this variant is present in 5 homozygotes in gnomAD (BS2_Supporting). In summary, this variant is classified as a Likely Benign for autosomal recessive SCID based on the ACMG criteria applied: BS1 and BS2_Supporting as specified by the ClinGen SCID VCEP (VCEP specifications version 1).

CeGaT Center for Human Genetics Tuebingen
Classification: Likely benign. Last evaluated: 2026-03-01. Review status: criteria provided, single submitter. Criteria: CeGaT Center For Human Genetics Tuebingen Variant Classification Criteria Version 2. Collection method: clinical testing. Allele origin: germline. Affected: yes. Observed: 4 variant alleles. Not counted in ClinVar's aggregate classification.
Comment: RAG2: BS2

Labcorp Genetics (formerly Invitae), Labcorp
Classification: Benign for Combined immunodeficiency with skin granulomas; Severe combined immunodeficiency, autosomal recessive, T cell-negative, B cell-negative, NK cell-positive. Last evaluated: 2026-02-04. Review status: criteria provided, single submitter. Criteria: Invitae Variant Classification Sherloc (09022015). Collection method: clinical testing. Allele origin: germline. Not counted in ClinVar's aggregate classification.

Mayo Clinic Laboratories, Mayo Clinic
Classification: Likely benign. Last evaluated: 2025-08-26. Review status: criteria provided, single submitter. Criteria: ACMG Guidelines, 2015. Collection method: clinical testing. Allele origin: germline. Observed: 6 variant alleles. Not counted in ClinVar's aggregate classification.
Comment: BS1, BS2_supporting

ARUP Laboratories, Molecular Genetics and Genomics, ARUP Laboratories
Classification: Benign. Last evaluated: 2024-07-17. Review status: criteria provided, single submitter. Criteria: ARUP Molecular Germline Variant Investigation Process 2024. Collection method: clinical testing. Allele origin: germline. Not counted in ClinVar's aggregate classification.

Department of Pathology and Laboratory Medicine, Sinai Health System
Classification: Likely benign for Combined immunodeficiency with skin granulomas; Severe combined immunodeficiency, autosomal recessive, T cell-negative, B cell-negative, NK cell-positive; Histiocytic medullary reticulosis. Last evaluated: 2021-07-30. Review status: criteria provided, single submitter. Criteria: ACMG Guidelines, 2015. Collection method: research. Allele origin: germline. Not counted in ClinVar's aggregate classification.

Genome-Nilou Lab
Classification: Benign for Histiocytic medullary reticulosis. Last evaluated: 2021-05-18. Review status: criteria provided, single submitter. Criteria: ACMG Guidelines, 2015. Collection method: clinical testing. Allele origin: germline. Affected: no. Not counted in ClinVar's aggregate classification.

Illumina Laboratory Services, Illumina
Classification: Likely benign for Severe combined immunodeficiency, autosomal recessive, T cell-negative, B cell-negative, NK cell-positive. Last evaluated: 2018-01-13. Review status: criteria provided, single submitter. Criteria: ICSL Variant Classification Criteria 13 December 2019. Collection method: clinical testing. Allele origin: germline. Not counted in ClinVar's aggregate classification.
Comment: This variant was observed in the ICSL laboratory as part of a predisposition screen in an ostensibly healthy population. It had not been previously curated by ICSL or reported in the Human Gene Mutation Database (HGMD: prior to June 1st, 2018), and was therefore a candidate for classification through an automated scoring system. Utilizing variant allele frequency, disease prevalence and penetrance estimates, and inheritance mode, an automated score was calculated to assess if this variant is too frequent to cause the disease. Based on the score and internal cut-off values, a variant classified as likely benign is not then subjected to further curation. The score for this variant resulted in a classification of likely benign for this disease.

Illumina Laboratory Services, Illumina
Classification: Likely benign for Histiocytic medullary reticulosis. Last evaluated: 2018-01-13. Review status: criteria provided, single submitter. Criteria: ICSL Variant Classification Criteria 13 December 2019. Collection method: clinical testing. Allele origin: germline. Not counted in ClinVar's aggregate classification.
Comment: the same text as in the submission from Illumina Laboratory Services, Illumina above.

Breakthrough Genomics
Classification: Likely benign. Review status: criteria provided, single submitter. Criteria: ACMG Guidelines, 2015. Collection method: not provided. Allele origin: germline. Inheritance: Autosomal recessive inheritance. Affected: yes. Not counted in ClinVar's aggregate classification.

Natera, Inc.
Classification: Benign for Omenn syndrome. Last evaluated: 2020-09-16. Review status: no assertion criteria provided. Collection method: clinical testing. Allele origin: germline. Not counted in ClinVar's aggregate classification.

Clinical Genetics DNA and cytogenetics Diagnostics Lab, Erasmus MC, Erasmus Medical Center
Classification: Likely benign. Review status: no assertion criteria provided. Collection method: clinical testing. Allele origin: germline. Affected: yes. Study: VKGL Data-share Consensus. Not counted in ClinVar's aggregate classification.

Genome Diagnostics Laboratory, University Medical Center Utrecht
Classification: Likely benign. Review status: no assertion criteria provided. Collection method: clinical testing. Allele origin: germline. Affected: yes. Study: VKGL Data-share Consensus. Not counted in ClinVar's aggregate classification.